The following is an entry in ClinVar:

ClinVar aggregate classification (germline): Benign. Review status: criteria provided, multiple submitters, no conflicts (2 of 4 stars). 3 submissions from 3 submitters: Benign (3). Last evaluated 2026-07-01.

Conditions:
Glycogen storage disease, type II (IOPD). Also called: Pompe Disease; CARDIOMEGALIA GLYCOGENICA DIFFUSA; GLYCOGENOSIS, GENERALIZED, CARDIAC FORM; GSD II; POMPE DISEASE, INFANTILE-ONSET; GLYCOGEN STORAGE DISEASE II, INFANTILE-ONSET. Identifiers: Orphanet 365, MedGen C0017921, MONDO:0009290, OMIM 232300.

Allele frequency attached by ClinVar (database versions not stated): 1000 Genomes Project 30x 0.15990; 1000 Genomes Project 0.16014; gnomAD 0.19777; TOPMed 0.19782.
gnomAD v4.1: 30,961 of 152,176 alleles (20%); highest among the groups gnomAD compares: Non-Finnish European, 28%; 3,859 homozygotes.

Submissions (3):

Genomenon, Inc
Classification: Benign for Glycogen storage disease, type II. Last evaluated: 2026-07-01. Review status: criteria provided, single submitter. Criteria: Genomenon Sequence Variant Interpretation Standards - Updated. Collection method: curation. Allele origin: germline. Affected: no.
Comment: GAA c.1327-179G>A is an intronic variant located in intron 8. This variant is present at high allele frequency in population databases. We classify GAA c.1327-179G>A as a benign variant.

GeneDx
Classification: Benign. Last evaluated: 2018-06-14. Review status: criteria provided, single submitter. Criteria: GeneDx Variant Classification (06012015). Collection method: clinical testing. Allele origin: germline. Affected: yes.
Comment: This variant is considered likely benign or benign based on one or more of the following criteria: it is a conservative change, it occurs at a poorly conserved position in the protein, it is predicted to be benign by multiple in silico algorithms, and/or has population frequency not consistent with disease.

Breakthrough Genomics
Classification: Benign. Review status: criteria provided, single submitter. Criteria: ACMG Guidelines, 2015. Collection method: not provided. Allele origin: germline. Inheritance: Autosomal recessive inheritance. Affected: yes.

NM_000152.5(GAA):c.1327-179G>A

Gene: GAA (alpha glucosidase; plus strand). Cytogenetic location: 17q25.3.
Variant type: single nucleotide variant.
Coding change: c.1327-179G>A on transcript NM_000152.5 (MANE Select); 179 bases into the intron before coding-DNA position 1327, G replaced by A.
Molecular consequence: intron variant.
Genome position (GRCh38, 1-based): chr17:80,109,766, G>A. VCF-style: chr17-80109766-G-A. GRCh37 (hg19) VCF-style: chr17-78083565-G-A.
Other names: c.1327-179G>A (NM_001079803.3, NM_001079804.3).
Identifiers: ClinVar variation 680269 (VCV000680269.3), dbSNP rs2278620, ClinGen allele CA14427099.